The following is an entry in ClinVar:

NM_001287.6(CLCN7):c.1834C>G (p.Pro612Ala)

Gene: CLCN7 (chloride voltage-gated channel 7; minus strand). Cytogenetic location: 16p13.3.
Variant type: single nucleotide variant.
Coding change: c.1834C>G on transcript NM_001287.6 (MANE Select); coding-DNA position 1834, C replaced by G.
Protein change: p.Pro612Ala; replaces proline 612 with alanine.
Molecular consequence: missense variant.
Genome position (GRCh38, 1-based): chr16:1,448,730, G>C on the plus strand (C>G on the coding strand, the complement: CLCN7 is on the minus strand). VCF-style: chr16-1448730-G-C. GRCh37 (hg19) VCF-style: chr16-1498731-G-C.
Other names: c.1834C>G (NM_001287.4); c.1762C>G, p.Pro588Ala (NM_001114331.3); short protein forms P588A, P612A.
Identifiers: ClinVar variation 2963066 (VCV002963066.4), dbSNP rs759560642, ClinGen allele CA394186361.

ClinVar aggregate classification (germline): Uncertain significance. Review status: criteria provided, multiple submitters, no conflicts (2 of 4 stars). 2 submissions from 2 submitters: Uncertain significance (2). Last evaluated 2024-01-23.

Conditions:
Inborn genetic diseases. Identifiers: MedGen C0950123, MeSH D030342.

Allele frequency attached by ClinVar (database versions not stated): gnomAD 0.00001.
gnomAD v4.1: 3 of 1,612,416 alleles (0.00019%); highest among the groups gnomAD compares: East Asian, 0.0022%; no homozygotes.

Submissions (2):

Ambry Genetics
Classification: Uncertain significance for Inborn genetic diseases. Last evaluated: 2024-01-23. Review status: criteria provided, single submitter. Criteria: Ambry Variant Classification Scheme 2023. Collection method: clinical testing. Allele origin: germline.

Labcorp Genetics (formerly Invitae), Labcorp
Classification: Uncertain significance. Last evaluated: 2023-05-17. Review status: criteria provided, single submitter. Criteria: Invitae Variant Classification Sherloc (09022015). Collection method: clinical testing. Allele origin: germline.
Comment: This sequence change replaces proline, which is neutral and non-polar, with alanine, which is neutral and non-polar, at codon 612 of the CLCN7 protein (p.Pro612Ala). This variant is present in population databases (no rsID available, gnomAD 0.01%). This variant has not been reported in the literature in individuals affected with CLCN7-related conditions. Advanced modeling of protein sequence and biophysical properties (such as structural, functional, and spatial information, amino acid conservation, physicochemical variation, residue mobility, and thermodynamic stability) performed at Invitae indicates that this missense variant is expected to disrupt CLCN7 protein function. In summary, the available evidence is currently insufficient to determine the role of this variant in disease. Therefore, it has been classified as a Variant of Uncertain Significance.